The following is an entry in ClinVar:

NM_000297.4(PKD2):c.2118+1G>C

Gene: PKD2 (polycystin 2, transient receptor potential cation channel; plus strand). Cytogenetic location: 4q22.1.
Variant type: single nucleotide variant.
Coding change: c.2118+1G>C on transcript NM_000297.4 (MANE Select); the canonical splice donor site of the intron after coding-DNA position 2118, G replaced by C.
Molecular consequence: splice donor variant.
Genome position (GRCh38, 1-based): chr4:88,062,005, G>C. VCF-style: chr4-88062005-G-C. GRCh37 (hg19) VCF-style: chr4-88983157-G-C.
Identifiers: ClinVar variation 976823 (VCV000976823.4), dbSNP rs1720594399, ClinGen allele CA357623896.
Genomic context (GRCh38, chr4:88,062,005, plus strand): 5'-GTGAAATCTGACTTGGCACAGCAGAAAGCTGAAATGGAACTCTCAGATCTTATCAGAAAG[G>C]TAGGAAAAACCTTAATTCTCAGAATTCTTCTGTTTCTGACATAAAATGAGCATTGTTTCA-3'

ClinVar aggregate classification (germline): Pathogenic. Review status: criteria provided, multiple submitters, no conflicts (2 of 4 stars). 2 submissions from 2 submitters: Pathogenic (2). Last evaluated 2022-01-07.

Conditions:
Autosomal dominant polycystic kidney disease. Identifiers: Orphanet 730, MedGen C0085413, MONDO:0004691.
Polycystic kidney disease 2 (PKD2). Also called: Polycystic Kidney Disease 2, Autosomal Dominant; POLYCYSTIC KIDNEY DISEASE, ADULT, TYPE II; POLYCYSTIC KIDNEY DISEASE 2 WITH OR WITHOUT POLYCYSTIC LIVER DISEASE. Identifiers: MedGen C2751306, MONDO:0013131, OMIM 613095.

Submissions (2):

Foundation for Research in Genetics and Endocrinology, FRIGE's Institute of Human Genetics
Classification: Pathogenic for Polycystic kidney disease 2. Last evaluated: 2022-01-07. Review status: criteria provided, single submitter. Criteria: ACMG Guidelines, 2015. Collection method: clinical testing. Allele origin: germline. Inheritance: Autosomal dominant inheritance. Affected: yes. Observed: 1 heterozygote.
Comment: A heterozygous 5'Splice site variation in intron 10 of the PKD2 gene (chr4:g.88062005G>C;Depth:95x) that affect the invariant GT donor splice site of exon 10(c.2118+1G>C;ENST00000237596.7) was detected. The observed variant has a minor allele frequency of in the 1000 genomes and gnomAD databases. The in silico prediction of the variant is benign by PolyPhen-2 (HumDiv), SIFT, LRT and MutationTaster2. The reference codon is conserved across species. In summary, the variant meets our criteria to be classified as a variant of uncertain significance.

Molecular Genetics of Inherited Kidney Disorders Laboratory, Garvan Institute of Medical Research
Classification: Pathogenic for Autosomal dominant polycystic kidney disease. Last evaluated: 2019-01-01. Review status: criteria provided, single submitter. Criteria: ACMG Guidelines, 2015. Collection method: research. Allele origin: germline. Affected: yes.